The following is an entry in ClinVar:

ClinVar aggregate classification (germline): Likely benign. Review status: criteria provided, multiple submitters, no conflicts (2 of 4 stars). 4 submissions from 4 submitters: Likely benign (3). 1 of the submissions does not count toward it. Last evaluated 2025-02-24.

Conditions:
ADNP-related disorder. Also called: ADNP-related condition.
Inborn genetic diseases. Identifiers: MedGen C0950123, MeSH D030342.

Allele frequency attached by ClinVar (database versions not stated): gnomAD exomes 0.00005; TOPMed 0.00005; gnomAD 0.00006; ExAC 0.00007; 1000 Genomes Project 30x 0.00016; 1000 Genomes Project 0.00020.
gnomAD v4.1: 90 of 1,614,022 alleles (0.0056%); highest among the groups gnomAD compares: Admixed American, 0.0083%; no homozygotes.

Submissions (4):

Labcorp Genetics (formerly Invitae), Labcorp
Classification: Likely benign. Last evaluated: 2025-02-24. Review status: criteria provided, single submitter. Criteria: Invitae Variant Classification Sherloc (09022015). Collection method: clinical testing. Allele origin: germline.

Blueprint Genetics
Classification: Likely benign. Last evaluated: 2024-04-19. Review status: criteria provided, single submitter. Criteria: ACMG Guidelines, 2015. Collection method: clinical testing. Allele origin: germline.

Ambry Genetics
Classification: Likely benign for Inborn genetic diseases. Last evaluated: 2018-05-25. Review status: criteria provided, single submitter. Criteria: Ambry Variant Classification Scheme 2023. Collection method: clinical testing. Allele origin: germline.

PreventionGenetics, part of Exact Sciences
Classification: Likely benign for ADNP-related condition. Last evaluated: 2022-12-29. Review status: no assertion criteria provided. Collection method: clinical testing. Allele origin: germline. Not counted in ClinVar's aggregate classification.
Comment: This variant is classified as likely benign based on ACMG/AMP sequence variant interpretation guidelines (Richards et al. 2015 PMID: 25741868, with internal and published modifications).

NM_001282531.3(ADNP):c.2922T>A (p.Ser974Arg)

Gene: ADNP (activity dependent neuroprotector homeobox; minus strand). Cytogenetic location: 20q13.13.
Variant type: single nucleotide variant.
Coding change: c.2922T>A on transcript NM_001282531.3 (MANE Select); coding-DNA position 2922, T replaced by A.
Protein change: p.Ser974Arg; replaces serine 974 with arginine.
Molecular consequence: missense variant.
Genome position (GRCh38, 1-based): chr20:50,891,792, A>T on the plus strand (T>A on the coding strand, the complement: ADNP is on the minus strand). VCF-style: chr20-50891792-A-T. GRCh37 (hg19) VCF-style: chr20-49508329-A-T.
Other names: c.2922T>A (NM_001282531.2); c.2922T>A, p.Ser974Arg (NM_001282532.2, NM_001347511.2, NM_015339.5 and 1 more transcripts); short protein forms S974R.
Identifiers: ClinVar variation 1797728 (VCV001797728.10), dbSNP rs141643081, ClinGen allele CA9908490.
Genomic context (GRCh38, chr20:50,891,792, plus strand): 5'-TCCTGGTTTCATTTCGCAGGTATTGTCCTCAAAGTCTGACACTTGTTGGGATCCAGGCCC[A>T]CTCTCAGATGGAGAAGCACCGTCTTTCCACTCAACAACATCGTCTTGGTCAACCTCACTA-3'
Protein context (NP_001269460.1, residues 964-984): EWKDGASPSE[Ser974Arg]GPGSQQVSDF